The following is an entry in ClinVar:

ClinVar aggregate classification (germline): Pathogenic (1 of 4 stars; one submission).

Conditions:
Fabry disease. Also called: ALPHA-GALACTOSIDASE A DEFICIENCY; ANDERSON-FABRY DISEASE; CERAMIDE TRIHEXOSIDASE DEFICIENCY; GLA DEFICIENCY; HEREDITARY DYSTOPIC LIPIDOSIS; Angiokeratoma corporis diffusum. Identifiers: Orphanet 324, MedGen C0002986, MONDO:0010526, OMIM 301500, HP:0001071. Disease mechanism: Fabry disease is due to inactivating mutations in the X-linked GLA gene resulting in deficiency of the enzyme Alpha Galactosidase-A., loss of function.

Submission:

Genomenon, Inc
Classification: Pathogenic for Fabry disease. Last evaluated: 2026-09-08. Review status: criteria provided, single submitter. Criteria: Genomenon Sequence Variant Interpretation Standards - Updated. Collection method: curation. Allele origin: germline. Affected: yes.
Comment: GLA p.Asp93Tyr (c.277G>T) is a missense variant that changes the amino acid at codon 93 from Aspartic acid to Tyrosine. This variant has been observed in at least one proband with clinical features consistent with Fabry disease (PMID:21972175). At least one functional study has demonstrated a substantial alteration in protein function relative to the wild-type (PMID:32023956;21972175;23935525;27657681). This variant is located in a mutational hotspot and/or important functional domain. It is absent or not present at a significant frequency in gnomAD. In silico models predict that this variant is possibly or probably damaging. In conclusion, we classify GLA p.Asp93Tyr (c.277G>T) as a pathogenic variant.

Literature cited by the submitters: PubMed 21972175; PubMed 32023956; PubMed 23935525; PubMed 27657681.

NM_000169.3(GLA):c.277G>T (p.Asp93Tyr)

Genes: GLA (galactosidase alpha; minus strand), RPL36A-HNRNPH2 (RPL36A-HNRNPH2 readthrough; plus strand). Cytogenetic location: Xq22.1.
Variant type: single nucleotide variant.
Coding change: c.277G>T on transcript NM_000169.3 (MANE Select); coding-DNA position 277, G replaced by T.
Protein change: p.Asp93Tyr; replaces aspartic acid 93 with tyrosine.
Molecular consequence: missense variant. On other transcripts: non-coding transcript variant (3), intron variant (2).
Genome position (GRCh38, 1-based): chrX:101,403,903, C>A on the plus strand (G>T on the coding strand, the complement: GLA is on the minus strand). VCF-style: chrX-101403903-C-A. GRCh37 (hg19) VCF-style: chrX-100658891-C-A.
Other names: c.400G>T, p.Asp134Tyr (NM_001406747.1, NM_001406749.1); c.277G>T, p.Asp93Tyr (NM_001406748.1); c.301-8033C>A (NM_001199973.2); c.178-8033C>A (NM_001199974.2); short protein forms D134Y, D93Y.
Identifiers: ClinVar variation 4087326 (VCV004087326.2).
Genomic context (GRCh38, chrX:101,403,903, plus strand): 5'-AGCGCTGAGGGTCTGCCTGAAGTCTGCCTTCTGAATCTCTTTGGGGAGCCATCCAACAGT[C>A]ATCAATGCAGAGGTACTCATAACCTGCATCCTTCCAGCCTTCTGAGACCATGAGCTCTGC-3'
Protein context (NP_000160.1, residues 83-103): DAGYEYLCID[Asp93Tyr]CWMAPQRDSE